The following is an entry in ClinVar:

NM_000089.4(COL1A2):c.3283C>T (p.Pro1095Ser)

Gene: COL1A2 (collagen type I alpha 2 chain; plus strand). Cytogenetic location: 7q21.3.
Variant type: single nucleotide variant.
Coding change: c.3283C>T on transcript NM_000089.4 (MANE Select); coding-DNA position 3283, C replaced by T.
Protein change: p.Pro1095Ser; replaces proline 1095 with serine.
Molecular consequence: missense variant.
Genome position (GRCh38, 1-based): chr7:94,427,642, C>T. VCF-style: chr7-94427642-C-T. GRCh37 (hg19) VCF-style: chr7-94056954-C-T.
Other names: short protein forms P1095S.
Identifiers: ClinVar variation 909053 (VCV000909053.21), dbSNP rs370608825, ClinGen allele CA4347733.

ClinVar aggregate classification (germline): Uncertain significance. Review status: criteria provided, multiple submitters, no conflicts (2 of 4 stars). 5 submissions from 4 submitters: Uncertain significance (5). Last evaluated 2025-12-08.

Conditions:
Osteogenesis imperfecta (OI). Identifiers: Orphanet 666, MedGen C0029434, MeSH D010013, MONDO:0019019.
Ehlers-Danlos syndrome, arthrochalasia type, 2. Also called: EHLERS-DANLOS SYNDROME, TYPE VIIB, AUTOSOMAL DOMINANT. Identifiers: MedGen CN293783, MONDO:0040501, OMIM 617821.
Osteogenesis imperfecta type I (OI1). Also called: Lobstein's Disease; OI, TYPE I; OSTEOGENESIS IMPERFECTA TARDA; OSTEOGENESIS IMPERFECTA WITH BLUE SCLERAE; Osteogenesis imperfecta type 1; Lobstein disease. Identifiers: Orphanet 216796, Orphanet 666, MedGen C0023931, MONDO:0008146, OMIM 166200. Disease mechanism: loss of function.
Ehlers-Danlos syndrome, classic type, 1 (EDSCL1). Also called: Ehlers-Danlos syndrome, type 1; EHLERS-DANLOS SYNDROME, GRAVIS TYPE; EHLERS-DANLOS SYNDROME, SEVERE CLASSIC TYPE; EDS I; Ehlers-Danlos Syndrome, Classic Type, COL5A1-Related. Identifiers: MedGen C0268335, MONDO:0019567, OMIM 130000.
Cardiovascular phenotype. Identifiers: MedGen CN230736.

Allele frequency attached by ClinVar (database versions not stated): ExAC 0.00001; gnomAD exomes 0.00006 and 0.00001; TOPMed 0.00019; ESP Exome Variant Server 0.00008; gnomAD 0.00024 and 0.00023.
gnomAD v4.1: 54 of 1,614,000 alleles (0.0033%); highest among the groups gnomAD compares: Admixed American, 0.063%; no homozygotes.

Submissions (5):

Ambry Genetics
Classification: Uncertain significance for Cardiovascular phenotype. Last evaluated: 2025-12-08. Review status: criteria provided, single submitter. Criteria: Ambry Variant Classification Scheme 2023. Collection method: clinical testing. Allele origin: germline.

Labcorp Genetics (formerly Invitae), Labcorp
Classification: Uncertain significance for Osteogenesis imperfecta type I; Ehlers-Danlos syndrome, classic type, 1. Last evaluated: 2025-03-17. Review status: criteria provided, single submitter. Criteria: Invitae Variant Classification Sherloc (09022015). Collection method: clinical testing. Allele origin: germline.
Comment: This sequence change replaces proline, which is neutral and non-polar, with serine, which is neutral and polar, at codon 1095 of the COL1A2 protein (p.Pro1095Ser). This variant is present in population databases (rs370608825, gnomAD 0.03%). This variant has not been reported in the literature in individuals affected with COL1A2-related conditions. ClinVar contains an entry for this variant (Variation ID: 909053). Invitae Evidence Modeling of protein sequence and biophysical properties (such as structural, functional, and spatial information, amino acid conservation, physicochemical variation, residue mobility, and thermodynamic stability) indicates that this missense variant is not expected to disrupt COL1A2 protein function with a negative predictive value of 80%. In summary, the available evidence is currently insufficient to determine the role of this variant in disease. Therefore, it has been classified as a Variant of Uncertain Significance.

ARUP Laboratories, Molecular Genetics and Genomics, ARUP Laboratories
Classification: Uncertain significance. Last evaluated: 2019-09-21. Review status: criteria provided, single submitter. Criteria: ARUP Molecular Germline Variant Investigation Process. Collection method: clinical testing. Allele origin: germline.
Comment: The COL1A2 c.3283C>T; p.Pro1095Ser variant (rs370608825), to our knowledge, is not reported in the medical literature or gene specific databases. This variant is found in the general population with an overall allele frequency of 0.006% (17/282684 alleles) in the Genome Aggregation Database. The proline at codon 1095 is highly conserved, and computational analyses (SIFT, PolyPhen-2) predict that this variant is deleterious. Due to limited information, the clinical significance of the p.Pro1095Ser variant is uncertain at this time.

Illumina Laboratory Services, Illumina
Classification: Uncertain significance for Osteogenesis imperfecta. Last evaluated: 2018-01-12. Review status: criteria provided, single submitter. Criteria: ICSL Variant Classification Criteria 13 December 2019. Collection method: clinical testing. Allele origin: germline.

Illumina Laboratory Services, Illumina
Classification: Uncertain significance for Ehlers-Danlos syndrome, arthrochalasia type, 2. Last evaluated: 2018-01-12. Review status: criteria provided, single submitter. Criteria: ICSL Variant Classification Criteria 13 December 2019. Collection method: clinical testing. Allele origin: germline.